The following is an entry in ClinVar:

ClinVar aggregate classification (germline): Conflicting classifications of pathogenicity. Review status: criteria provided, conflicting classifications (1 of 4 stars). 8 submissions from 8 submitters: Pathogenic (3); Likely pathogenic (1); Uncertain significance (4). Last evaluated 2026-01-28.

Conditions:
Familial cancer of breast. Also called: BREAST CANCER, FAMILIAL; Hereditary breast cancer; hereditary breast carcinoma. Identifiers: Orphanet 227535, MedGen C0346153, MONDO:0016419, OMIM 114480. Disease mechanism: loss of function.
Hereditary cancer-predisposing syndrome. Also called: Hereditary neoplastic syndrome; Neoplastic Syndromes, Hereditary; Tumor predisposition; Hereditary Cancer Syndrome. Identifiers: Orphanet 140162, MedGen C0027672, MeSH D009386, MONDO:0015356.
Ataxia-telangiectasia syndrome (AT). Also called: LOUIS-BAR SYNDROME; Cerebello-oculocutaneous telangiectasia; Immunodeficiency with ataxia telangiectasia; AT, COMPLEMENTATION GROUP C; Ataxia-telangiectasia, complementation group D; ATAXIA-TELANGIECTASIA, COMPLEMENTATION GROUP A. Identifiers: Orphanet 100, MedGen C0004135, MONDO:0008840, OMIM 208900.

Allele frequency attached by ClinVar (database versions not stated): gnomAD 0.00001; gnomAD exomes 0.00001; TOPMed 0.00001.
gnomAD v4.1: 4 of 1,613,724 alleles (0.00025%); highest among the groups gnomAD compares: Non-Finnish European, 0.00025%; no homozygotes.

Submissions (8):

Labcorp Genetics (formerly Invitae), Labcorp
Classification: Pathogenic for Ataxia-telangiectasia syndrome. Last evaluated: 2026-01-28. Review status: criteria provided, single submitter. Criteria: Invitae Variant Classification Sherloc (09022015). Collection method: clinical testing. Allele origin: germline.
Comment: This sequence change falls in intron 9 of the ATM gene. It does not directly change the encoded amino acid sequence of the ATM protein. RNA analysis indicates that this variant induces altered splicing and may result in an absent or altered protein product. This variant is present in population databases (no rsID available, gnomAD 0.01%). This variant has been observed in individual(s) with autosomal recessive ataxia-telangiectasia (PMID: 31403082). It has also been observed to segregate with disease in related individuals. ClinVar contains an entry for this variant (Variation ID: 482570). Variants that disrupt the consensus splice site are a relatively common cause of aberrant splicing (PMID: 17576681, 9536098). Studies have shown that this variant results in skipping of exon 9, and produces a non-functional protein and/or introduces a premature termination codon (PMID: 31403082; internal data). For these reasons, this variant has been classified as Pathogenic.

Color Diagnostics, LLC DBA Color Health
Classification: Uncertain significance for Hereditary cancer-predisposing syndrome. Last evaluated: 2025-01-14. Review status: criteria provided, single submitter. Criteria: ACMG Guidelines, 2015. Collection method: clinical testing. Allele origin: germline.
Comment: This variant causes an A to G nucleotide substitution at the +3 position of intron 9 of the ATM gene. Splice site prediction tools suggest that this variant may have a significant impact on RNA splicing. An RNA study has detected the out-of-frame skipping of exon 9 in RNA from a heterozygous carrier (PMID: 31403082), although the completeness of the splicing defect was not determined. This variant has been reported in two siblings affected with adult-onset and mild ataxia telangiectasia with an ATM pathogenic covariant, c.6205C>T (p.Gln2069*) (PMID: 31403082). There is no personal and family history of cancer reported in this case study (PMID: 31403082). This variant has been identified in 2/251020 chromosomes in the general population by the Genome Aggregation Database (gnomAD). Although there is a suspicion that this variant may be associated with disease, additional functional and clinical studies are necessary to determine the role of this variant in disease conclusively. Therefore, this variant is classified as a Variant of Uncertain Significance.

Ambry Genetics
Classification: Uncertain significance for Hereditary cancer-predisposing syndrome. Last evaluated: 2024-12-31. Review status: criteria provided, single submitter. Criteria: Ambry Variant Classification Scheme 2023. Collection method: clinical testing. Allele origin: germline.
Comment: The c.1235+3A>G intronic variant results from an A to G substitution 3 nucleotides after coding exon 8 in the ATM gene. This nucleotide position is highly conserved in available vertebrate species. This alteration was identified in conjunction with another ATM alteration (c.6205C>T, p.Gln2069*) in a patient diagnosed with adult-onset, variant ataxia-telangiectasia (Krenn M et al. Neurol Genet. 2019 Aug;5:e346). In silico splice site analysis predicts that this alteration will weaken the native splice donor site; however, direct evidence is insufficient at this time (Ambry internal data). Since supporting evidence is limited at this time, the clinical significance of this alteration remains unclear.

Fulgent Genetics
Classification: Pathogenic for Familial cancer of breast; Ataxia-telangiectasia syndrome. Last evaluated: 2024-03-18. Review status: criteria provided, single submitter. Criteria: ACMG Guidelines, 2015. Collection method: clinical testing. Allele origin: germline.

GeneDx
Classification: Likely pathogenic. Last evaluated: 2023-10-18. Review status: criteria provided, single submitter. Criteria: GeneDx Variant Classification Process June 2021. Collection method: clinical testing. Allele origin: germline. Affected: yes.
Comment: Non-canonical splice site variant demonstrated to result in exon skipping (Krenn et al., 2019); Not observed at significant frequency in large population cohorts (gnomAD); Observed with a second pathogenic ATM variant (phase unknown) in two siblings with adult-onset ataxia, nystagmus, and dysarthria (Krenn et al., 2019); This variant is associated with the following publications: (PMID: 31403082, Zureick2023[Article])

Baylor Genetics
Classification: Uncertain significance for Familial cancer of breast. Last evaluated: 2023-04-11. Review status: criteria provided, single submitter. Criteria: ACMG Guidelines, 2015. Collection method: clinical testing. Allele origin: unknown.

Sema4
Classification: Uncertain significance for Hereditary cancer-predisposing syndrome. Last evaluated: 2021-05-26. Review status: criteria provided, single submitter. Criteria: Sema4 Curation Guidelines. Collection method: curation. Allele origin: germline.
Comment: The ATM c.1235+3A>G has been reported as compound heterozygous in at least one individual with ataxia telangiectasia and her sibling (PMID: 31403082). Gene splicing assays have shown that this variant results in exon 9 skipping (PMID: 31403082). There was no report of maligancy in both sibs (PMID: 31403082). It was observed in 1/113436 chromosomes in the Non-Finnish European subpopulation in the large and broad cohorts of the Genome Aggregation Database (PMID: 32461654). The variant has been reported in ClinVar (Variation ID: 482570). The evidence is insufficient to meet ACMG/AMP criteria for classifying the variant as benign or pathogenic. Thus, the clinical significance of this variant is currently uncertain.

Institute of Human Genetics Munich, TUM University Hospital
Classification: Pathogenic for Ataxia-telangiectasia syndrome. Last evaluated: 2019-02-14. Review status: criteria provided, single submitter. Criteria: Classification criteria August 2017. Collection method: clinical testing. Allele origin: maternal. Inheritance: Autosomal recessive inheritance. Affected: yes. Observed: 1 compound heterozygote.

Literature cited by the submitters: PubMed 31403082 (cited by 4 submitters); PubMed 17576681 (cited by Labcorp Genetics (formerly Invitae), Labcorp); PubMed 9536098 (cited by Labcorp Genetics (formerly Invitae), Labcorp).

NM_000051.4(ATM):c.1235+3A>G

Gene: ATM (ATM serine/threonine kinase; plus strand). Cytogenetic location: 11q22.3.
Variant type: single nucleotide variant.
Coding change: c.1235+3A>G on transcript NM_000051.4 (MANE Select); 3 bases into the intron after coding-DNA position 1235, A replaced by G.
Molecular consequence: intron variant.
Genome position (GRCh38, 1-based): chr11:108,249,105, A>G. VCF-style: chr11-108249105-A-G. GRCh37 (hg19) VCF-style: chr11-108119832-A-G.
Other names: c.1235+3A>G (NM_001351834.2).
Identifiers: ClinVar variation 482570 (VCV000482570.21), dbSNP rs1417190414, ClinGen allele CA602132545.